The following is an entry in ClinVar:

NM_020631.6(PLEKHG5):c.*63C>T

Gene: PLEKHG5 (pleckstrin homology and RhoGEF domain containing G5; minus strand). Cytogenetic location: 1p36.31.
Variant type: single nucleotide variant.
Coding change: c.*63C>T on transcript NM_020631.6 (MANE Select); 63 bases downstream of the stop codon, C replaced by T.
Molecular consequence: 3 prime UTR variant.
Genome position (GRCh38, 1-based): chr1:6,467,500, G>A on the plus strand (C>T on the coding strand, the complement: PLEKHG5 is on the minus strand). VCF-style: chr1-6467500-G-A. GRCh37 (hg19) VCF-style: chr1-6527560-G-A.
Other names: c.*63C>T (NM_001042663.3, NM_001042664.2, NM_001042665.2 and 3 more transcripts); c.*91C>T (NM_001265594.3).
Identifiers: ClinVar variation 874745 (VCV000874745.4), dbSNP rs45446394, ClinGen allele CA17231671.

ClinVar aggregate classification (germline): Benign (1 of 4 stars; one submission).

Conditions:
Neuronopathy, distal hereditary motor, autosomal recessive 4. Also called: Autosomal recessive lower motor neuron disease with childhood onset; NEUROPATHY, DISTAL HEREDITARY MOTOR, AUTOSOMAL RECESSIVE 4. Identifiers: Orphanet 206580, MedGen C1970211, MONDO:0012608, OMIM 611067.

Allele frequency attached by ClinVar (database versions not stated): gnomAD exomes 0.00076; ESP Exome Variant Server 0.00723; gnomAD 0.00741 and 0.00800; 1000 Genomes Project 30x 0.00750; 1000 Genomes Project 0.00799; TOPMed 0.00836.

Submission:

Illumina Laboratory Services, Illumina
Classification: Benign for Neuronopathy, distal hereditary motor, autosomal recessive 4. Last evaluated: 2018-01-13. Review status: criteria provided, single submitter. Criteria: ICSL Variant Classification Criteria 13 December 2019. Collection method: clinical testing. Allele origin: germline.
Comment: This variant was observed in the ICSL laboratory as part of a predisposition screen in an ostensibly healthy population. It had not been previously curated by ICSL or reported in the Human Gene Mutation Database (HGMD: prior to June 1st, 2018), and was therefore a candidate for classification through an automated scoring system. Utilizing variant allele frequency, disease prevalence and penetrance estimates, and inheritance mode, an automated score was calculated to assess if this variant is too frequent to cause the disease. Based on the score and internal cut-off values, a variant classified as benign is not then subjected to further curation. The score for this variant resulted in a classification of benign for this disease.